The following is an entry in ClinVar:

ClinVar aggregate classification (germline): Uncertain significance (1 of 4 stars; one submission).

Conditions:
Kufor-Rakeb syndrome (KRS). Also called: PARKINSON DISEASE 9, AUTOSOMAL RECESSIVE, JUVENILE-ONSET. Identifiers: Orphanet 306674, Orphanet 314632, MedGen C1847640, MONDO:0011706, OMIM 606693.
Autosomal recessive spastic paraplegia type 78. Identifiers: Orphanet 513436, MedGen C5567893, MONDO:0014975, OMIM 617225.

Allele frequency attached by ClinVar (database versions not stated): TOPMed below 0.00001; gnomAD 0.00001; gnomAD exomes 0.00003.
gnomAD v4.1: 28 of 1,612,844 alleles (0.0017%); highest among the groups gnomAD compares: Non-Finnish European, 0.0021%; no homozygotes.

Submission:

Labcorp Genetics (formerly Invitae), Labcorp
Classification: Uncertain significance for Kufor-Rakeb syndrome; Autosomal recessive spastic paraplegia type 78. Last evaluated: 2022-07-06. Review status: criteria provided, single submitter. Criteria: Invitae Variant Classification Sherloc (09022015). Collection method: clinical testing. Allele origin: germline.
Comment: In summary, the available evidence is currently insufficient to determine the role of this variant in disease. Therefore, it has been classified as a Variant of Uncertain Significance. Variants that disrupt the consensus splice site are a relatively common cause of aberrant splicing (PMID: 17576681, 9536098). Algorithms developed to predict the effect of sequence changes on RNA splicing suggest that this variant may disrupt the consensus splice site. ClinVar contains an entry for this variant (Variation ID: 1034961). This variant has not been reported in the literature in individuals affected with ATP13A2-related conditions. This variant is not present in population databases (gnomAD no frequency). This sequence change falls in intron 25 of the ATP13A2 gene. It does not directly change the encoded amino acid sequence of the ATP13A2 protein. It affects a nucleotide within the consensus splice site.

Literature cited by the submitters: PubMed 17576681; PubMed 9536098.

NM_022089.4(ATP13A2):c.2859+5G>C

Gene: ATP13A2 (ATPase cation transporting 13A2; minus strand). Cytogenetic location: 1p36.13.
Variant type: single nucleotide variant.
Coding change: c.2859+5G>C on transcript NM_022089.4 (MANE Select); 5 bases into the intron after coding-DNA position 2859, G replaced by C.
Molecular consequence: intron variant.
Genome position (GRCh38, 1-based): chr1:16,988,133, C>G on the plus strand (G>C on the coding strand, the complement: ATP13A2 is on the minus strand). VCF-style: chr1-16988133-C-G. GRCh37 (hg19) VCF-style: chr1-17314628-C-G.
Other names: c.2727+5G>C (NM_001141974.3); c.2844+5G>C (NM_001141973.3).
Identifiers: ClinVar variation 1034961 (VCV001034961.3), dbSNP rs1164759435, ClinGen allele CA890930543.